The following is an entry in ClinVar:

ClinVar aggregate classification (germline): Uncertain significance (1 of 4 stars; one submission).

Submission:

Ambry Genetics
Classification: Uncertain significance. Last evaluated: 2025-03-24. Review status: criteria provided, single submitter. Criteria: Ambry Variant Classification Scheme 2023. Collection method: clinical testing. Allele origin: germline.
Comment: The p.Q368K variant (also known as c.1102C>A), located in coding exon 6 of the GALNT12 gene, results from a C to A substitution at nucleotide position 1102. The glutamine at codon 368 is replaced by lysine, an amino acid with similar properties. This amino acid position is conserved. In addition, this alteration is predicted to be tolerated by in silico analysis. Based on the available evidence, the clinical significance of this variant remains unclear.

NM_024642.5(GALNT12):c.1102C>A (p.Gln368Lys)

Gene: GALNT12 (polypeptide N-acetylgalactosaminyltransferase 12; plus strand). Cytogenetic location: 9q22.33.
Variant type: single nucleotide variant.
Coding change: c.1102C>A on transcript NM_024642.5 (MANE Select); coding-DNA position 1102, C replaced by A.
Protein change: p.Gln368Lys; replaces glutamine 368 with lysine.
Molecular consequence: missense variant.
Genome position (GRCh38, 1-based): chr9:98,837,038, C>A. VCF-style: chr9-98837038-C-A. GRCh37 (hg19) VCF-style: chr9-101599320-C-A.
Other names: short protein forms Q368K.
Identifiers: ClinVar variation 4027994 (VCV004027994.1).